The following is an entry in ClinVar:

NM_182914.3(SYNE2):c.3506G>T (p.Arg1169Leu)

Gene: SYNE2 (spectrin repeat containing nuclear envelope protein 2; plus strand). Cytogenetic location: 14q23.2.
Variant type: single nucleotide variant.
Coding change: c.3506G>T on transcript NM_182914.3 (MANE Select); coding-DNA position 3506, G replaced by T.
Protein change: p.Arg1169Leu; replaces arginine 1169 with leucine.
Molecular consequence: missense variant.
Genome position (GRCh38, 1-based): chr14:64,000,587, G>T. VCF-style: chr14-64000587-G-T. GRCh37 (hg19) VCF-style: chr14-64467305-G-T.
Other names: c.3506G>T, p.Arg1169Leu (NM_015180.6); short protein forms R1169L.
Identifiers: ClinVar variation 1013768 (VCV001013768.8), dbSNP rs200437377, ClinGen allele CA389992343.

ClinVar aggregate classification (germline): Uncertain significance (1 of 4 stars; one submission).

Conditions:
Emery-Dreifuss muscular dystrophy 5, autosomal dominant (EDMD5). Also called: EMERY-DREIFUSS MUSCULAR DYSTROPHY 5. Identifiers: Orphanet 261, MedGen C2751805, MONDO:0013072, OMIM 612999.

Allele frequency attached by ClinVar (database versions not stated): TOPMed 0.00001.
gnomAD v4.1: 4 of 1,613,192 alleles (0.00025%); highest among the groups gnomAD compares: Non-Finnish European, 0.00025%; no homozygotes.

Submission:

Labcorp Genetics (formerly Invitae), Labcorp
Classification: Uncertain significance for Emery-Dreifuss muscular dystrophy 5, autosomal dominant. Last evaluated: 2022-01-12. Review status: criteria provided, single submitter. Criteria: Invitae Variant Classification Sherloc (09022015). Collection method: clinical testing. Allele origin: germline.
Comment: In summary, the available evidence is currently insufficient to determine the role of this variant in disease. Therefore, it has been classified as a Variant of Uncertain Significance. Algorithms developed to predict the effect of missense changes on protein structure and function (SIFT, PolyPhen-2, Align-GVGD) all suggest that this variant is likely to be tolerated. ClinVar contains an entry for this variant (Variation ID: 1013768). This variant has not been reported in the literature in individuals affected with SYNE2-related conditions. This variant is not present in population databases (gnomAD no frequency). This sequence change replaces arginine, which is basic and polar, with leucine, which is neutral and non-polar, at codon 1169 of the SYNE2 protein (p.Arg1169Leu).